The following is an entry in ClinVar:

ClinVar aggregate classification (germline): Pathogenic/Likely pathogenic. Review status: criteria provided, multiple submitters, no conflicts (2 of 4 stars). 2 submissions from 2 submitters: Pathogenic (1); Likely pathogenic (1). Last evaluated 2026-02-11.

Conditions:
Inborn genetic diseases. Identifiers: MedGen C0950123, MeSH D030342.
Myelodysplastic syndrome (MDS). Also called: Myelodysplastic syndrome, somatic; Myelodysplastic syndromes; MYELODYSPLASTIC SYNDROME, SUSCEPTIBILITY TO. Identifiers: Orphanet 52688, MedGen C3463824, MeSH D009190, MONDO:0018881, OMIM 614286.

Submissions (2):

St. Jude Molecular Pathology, St. Jude Children's Research Hospital
Classification: Pathogenic for Myelodysplastic syndrome. Last evaluated: 2026-02-11. Review status: criteria provided, single submitter. Criteria: St. Jude Assertion Criteria 2020. Collection method: clinical testing. Allele origin: germline.
Comment: The GATA2 c.46del p.(Val16CysfsTer2) change deletes one nucleotide to cause a frameshift and the creation of a premature stop codon. This change is predicted to cause protein truncation or absence of protein due to nonsense-mediated decay. This variant is absent in gnomAD v2.1.1. In summary, this variant meets criteria to be classified as pathogenic.

Ambry Genetics
Classification: Likely pathogenic for Inborn genetic diseases. Last evaluated: 2025-08-25. Review status: criteria provided, single submitter. Criteria: Ambry Variant Classification Scheme 2023. Collection method: clinical testing. Allele origin: germline.
Comment: The c.46delG variant, located in coding exon 1 of the GATA2 gene, results from a deletion of one nucleotide at nucleotide position 46, causing a translational frameshift with a predicted alternate stop codon (p.V16Cfs*2). The predicted stop codon occurs in the 5&rsquo; end of theGATA2 gene. Premature termination codons in the 5&rsquo; end of a gene have been reported to escape nonsense-mediated mRNAdecay and/or lead to re-initiation (Rivas et al. Science. 2015 May 8;348(6235):666-9; Lindeboom et al. Nat Genet. 2016 Oct;48(10):1112-8; Rhee et al. Sci Rep. 2017 May 10;7(1):1653). Direct evidence for this alteration is unavailable, however premature termination codons are typically deleterious in nature. This variant is considered to be rare based on population cohorts in the Genome Aggregation Database (gnomAD). Based on the majority of available evidence to date, this variant is likely to be pathogenic.

NM_032638.5(GATA2):c.46del (p.Val16fs)

Gene: GATA2 (GATA binding protein 2; minus strand). Cytogenetic location: 3q21.3.
Variant type: Deletion.
Coding change: c.46del on transcript NM_032638.5 (MANE Select); coding-DNA position 46, one base deleted (G; older notation c.46delG).
Protein change: p.Val16fs; shifts the reading frame from valine 16.
Molecular consequence: frameshift variant.
Genome position (GRCh38, 1-based): chr3:128,486,986, C deleted on the plus strand (G on the coding strand, the reverse complement: GATA2 is on the minus strand). VCF-style (leftmost placement, unchanged base first): chr3-128486985-AC-A. GRCh37 (hg19) VCF-style: chr3-128205828-AC-A.
Other names: c.46del, p.Val16fs (NM_001145661.2, NM_001145662.1); short protein forms V16fs.
Identifiers: ClinVar variation 4262144 (VCV004262144.2).